The following is an entry in ClinVar:

ClinVar aggregate classification (germline): Pathogenic. Review status: criteria provided, multiple submitters, no conflicts (2 of 4 stars). 7 submissions from 7 submitters: Pathogenic (7). Last evaluated 2025-12-29.

Conditions:
Wilson disease (WND). Also called: Wilson's disease. Identifiers: Orphanet 905, MedGen C0019202, MONDO:0010200, OMIM 277900. Disease mechanism: loss of function.

Submissions (7):

Natera, Inc.
Classification: Pathogenic for Wilson disease. Last evaluated: 2025-12-29. Review status: criteria provided, single submitter. Criteria: Natera Variant Classification Schema (03/2026). Collection method: clinical testing. Allele origin: germline.
Comment: The c.2997dupC variant in ATP7B is a frameshift variant predicted to shift the reading frame beginning at codon 1000 and leads to a stop codon 28 codons downstream. This variant is expected to result in nonsense mediated decay, truncation, or a dysfunctional protein product. This variant is rare in the general population with a frequency below the threshold expected for the associated phenotype(s). This variant has been observed in one or more individuals affected with the associated recessive disease, as either homozygous or compound heterozygous with a second variant (PMID: 21682854). Given the available evidence, this variant is classified as Pathogenic.

Genomic Medicine Center of Excellence, King Faisal Specialist Hospital and Research Centre
Classification: Pathogenic for Wilson disease. Last evaluated: 2024-12-18. Review status: criteria provided, single submitter. Criteria: ACMG Guidelines, 2015. Collection method: clinical testing. Allele origin: germline.

Baylor Genetics
Classification: Pathogenic for Wilson disease. Last evaluated: 2024-02-11. Review status: criteria provided, single submitter. Criteria: ACMG Guidelines, 2015. Collection method: clinical testing. Allele origin: unknown.

Genome-Nilou Lab
Classification: Pathogenic for Wilson disease. Last evaluated: 2021-08-10. Review status: criteria provided, single submitter. Criteria: ACMG Guidelines, 2015. Collection method: clinical testing. Allele origin: germline. Affected: no.

Labcorp Genetics (formerly Invitae), Labcorp
Classification: Pathogenic for Wilson disease. Last evaluated: 2020-09-07. Review status: criteria provided, single submitter. Criteria: Invitae Variant Classification Sherloc (09022015). Collection method: clinical testing. Allele origin: germline.
Comment: This variant has been observed in individual(s) with Wilson disease (PMID: 10502777). It is also known as 2996insC in the literature. ClinVar contains an entry for this variant (Variation ID: 917567). This variant is not present in population databases (ExAC no frequency). This sequence change creates a premature translational stop signal (p.Gly1000Argfs*28) in the ATP7B gene. It is expected to result in an absent or disrupted protein product. Loss-of-function variants in ATP7B are known to be pathogenic (PMID: 10441329, 16283883). For these reasons, this variant has been classified as Pathogenic.

Revvity Omics, Revvity
Classification: Pathogenic for Wilson disease. Last evaluated: 2020-03-16. Review status: criteria provided, single submitter. Criteria: ACMG Guidelines, 2015. Collection method: clinical testing. Allele origin: germline.

Women's Health and Genetics/Laboratory Corporation of America, LabCorp
Classification: Pathogenic for Wilson disease. Last evaluated: 2020-01-21. Review status: criteria provided, single submitter. Criteria: LabCorp Variant Classification Summary - May 2015. Collection method: clinical testing. Allele origin: germline.
Comment: Variant summary: ATP7B c.2997dupC (p.Gly1000ArgfsX28) results in a premature termination codon, predicted to cause a truncation of the encoded protein or absence of the protein due to nonsense mediated decay, which are commonly known mechanisms for disease. Truncations downstream of this position have been classified as pathogenic by our laboratory. The variant was absent in 244084 control chromosomes. c.2997dupC has been reported in the literature in multiple individuals affected with Wilson Disease (Curtis_1999, Abdelghaffar_2008, AbdelGhaffar_2011). These data indicate that the variant is very likely to be associated with disease. To our knowledge, no experimental evidence demonstrating an impact on protein function has been reported. No clinical diagnostic laboratories have submitted clinical-significance assessments for this variant to ClinVar after 2014. Based on the evidence outlined above, the variant was classified as pathogenic.

Literature cited by the submitters: PubMed 21682854 (cited by Natera, Inc. and Women's Health and Genetics/Laboratory Corporation of America, LabCorp); PubMed 10502777 (cited by Labcorp Genetics (formerly Invitae), Labcorp and Women's Health and Genetics/Laboratory Corporation of America, LabCorp); PubMed 10441329 (cited by Labcorp Genetics (formerly Invitae), Labcorp); PubMed 16283883 (cited by Labcorp Genetics (formerly Invitae), Labcorp); PubMed 18483695 (cited by Women's Health and Genetics/Laboratory Corporation of America, LabCorp).

NM_000053.4(ATP7B):c.2997dup (p.Gly1000fs)

Gene: ATP7B (ATPase copper transporting beta; minus strand). Cytogenetic location: 13q14.3.
Variant type: Duplication.
Coding change: c.2997dup on transcript NM_000053.4 (MANE Select); coding-DNA position 2997, one base duplicated (C; older notation c.2997dupC).
Protein change: p.Gly1000fs; shifts the reading frame from glycine 1000.
Molecular consequence: frameshift variant.
Genome position (GRCh38, 1-based): chr13:51,946,347, G duplicated on the plus strand (C on the coding strand, the reverse complement: ATP7B is on the minus strand); the first of 2 consecutive G bases (chr13:51,946,347-51,946,348); duplicating either gives the same sequence. VCF-style (leftmost placement, unchanged base first): chr13-51946346-C-CG. GRCh37 (hg19) VCF-style: chr13-52520482-C-CG.
Other names: c.2376dup, p.Gly793fs (NM_001005918.3); c.2664dup, p.Gly889fs (NM_001243182.2); c.2763dup, p.Gly922fs (NM_001330578.2); c.2745dup, p.Gly916fs (NM_001330579.2); short protein forms G916fs, G1000fs, G922fs, G793fs, G889fs.
Identifiers: ClinVar variation 917567 (VCV000917567.19), dbSNP rs1957654399, ClinGen allele CA1139663304.